The following is an entry in ClinVar:

ClinVar aggregate classification (germline): Likely benign. Review status: criteria provided, single submitter (1 of 4 stars). 2 submissions from 2 submitters: Likely benign (1). 1 of the submissions does not count toward it. Last evaluated 2024-07-12.

Conditions:
Amyotrophic lateral sclerosis type 4 (ALS4). Also called: AMYOTROPHIC LATERAL SCLEROSIS 4, JUVENILE; NEURONOPATHY, DISTAL HEREDITARY MOTOR, WITH PYRAMIDAL FEATURES. Identifiers: Orphanet 357043, MedGen C1865409, MONDO:0011223, OMIM 602433.
Spinocerebellar ataxia, autosomal recessive, with axonal neuropathy 2 (SCAN2). Also called: Ataxia-ocular apraxia-2; Ataxia with Oculomotor Apraxia; Ataxia with Oculomotor Apraxia Type 2; ATAXIA-OCULOMOTOR APRAXIA 2. Identifiers: Orphanet 64753, MedGen C1853761, MONDO:0018996, OMIM 606002.
SETX-related disorder. Also called: SETX-related disorders; SETX-related condition. Identifiers: MedGen CN239403.

Allele frequency attached by ClinVar (database versions not stated): gnomAD exomes below 0.00001 and 0.00001; ExAC 0.00002.
gnomAD v4.1: 5 of 1,612,560 alleles (0.00031%); highest among the groups gnomAD compares: Non-Finnish European, 0.00042%; no homozygotes.

Submissions (2):

Labcorp Genetics (formerly Invitae), Labcorp
Classification: Likely benign for Amyotrophic lateral sclerosis type 4; Spinocerebellar ataxia, autosomal recessive, with axonal neuropathy 2. Last evaluated: 2024-07-12. Review status: criteria provided, single submitter. Criteria: Invitae Variant Classification Sherloc (09022015). Collection method: clinical testing. Allele origin: germline.

PreventionGenetics, part of Exact Sciences
Classification: Uncertain significance for SETX-related condition. Last evaluated: 2024-08-18. Review status: no assertion criteria provided. Collection method: clinical testing. Allele origin: germline. Not counted in ClinVar's aggregate classification.
Comment: The SETX c.2116A>G variant is predicted to result in the amino acid substitution p.Lys706Glu. To our knowledge, this variant has not been reported in the literature. This variant is reported in 0.0023% of alleles in individuals of European (Non-Finnish) descent in gnomAD. At this time, the clinical significance of this variant is uncertain due to the absence of conclusive functional and genetic evidence.

NM_015046.7(SETX):c.2116A>G (p.Lys706Glu)

Gene: SETX (senataxin; minus strand). Cytogenetic location: 9q34.13.
Variant type: single nucleotide variant.
Coding change: c.2116A>G on transcript NM_015046.7 (MANE Select); coding-DNA position 2116, A replaced by G.
Protein change: p.Lys706Glu; replaces lysine 706 with glutamic acid.
Molecular consequence: missense variant.
Genome position (GRCh38, 1-based): chr9:132,329,482, T>C on the plus strand (A>G on the coding strand, the complement: SETX is on the minus strand). VCF-style: chr9-132329482-T-C. GRCh37 (hg19) VCF-style: chr9-135204869-T-C.
Other names: c.2116A>G, p.Lys706Glu (NM_001351527.2, NM_001351528.2); short protein forms K706E.
Identifiers: ClinVar variation 943068 (VCV000943068.7), dbSNP rs776432277, ClinGen allele CA5297663.